The following is an entry in ClinVar:

NM_001374736.1(DST):c.4183G>A (p.Ala1395Thr)

Gene: DST (dystonin; minus strand). Cytogenetic location: 6p12.1.
Variant type: single nucleotide variant.
Coding change: c.4183G>A on transcript NM_001374736.1 (MANE Select); coding-DNA position 4183, G replaced by A.
Protein change: p.Ala1395Thr; replaces alanine 1395 with threonine.
Molecular consequence: missense variant.
Genome position (GRCh38, 1-based): chr6:56,630,343, C>T on the plus strand (G>A on the coding strand, the complement: DST is on the minus strand). VCF-style: chr6-56630343-C-T. GRCh37 (hg19) VCF-style: chr6-56495141-C-T.
Other names: c.4084G>A, p.Ala1362Thr (NM_001144769.5); c.3670G>A, p.Ala1224Thr (NM_001144770.2); c.4183G>A, p.Ala1395Thr (NM_001374722.1); c.3550G>A, p.Ala1184Thr (NM_001374729.1, NM_001374730.1, NM_001386100.1 and 1 more transcripts); c.4210G>A, p.Ala1404Thr (NM_001374734.1); c.2572G>A, p.Ala858Thr (NM_001723.7, NM_015548.5); short protein forms A1404T, A858T, A1224T, A1362T, A1395T, A1184T.
Identifiers: ClinVar variation 933549 (VCV000933549.7), dbSNP rs772264796, ClinGen allele CA3870950.
Genomic context (GRCh38, chr6:56,630,343, plus strand): 5'-CAGCTATAACTGCTTCTTCTTCACACAGTTTAGTTTCATAGAGTTTTACGAGGGCTTCTG[C>T]AGCTTGAGTGTTTTTTAACACCAAGTTAACAGTTTTCAACCTTAAAAAGGAAATTAAACA-3'
Protein context (NP_001361665.1, residues 1385-1405): VNLVLKNTQA[Ala1395Thr]EALVKLYETK

ClinVar aggregate classification (germline): Uncertain significance (1 of 4 stars; one submission).

Conditions:
Epidermolysis bullosa simplex 3, localized or generalized intermediate, with BP230 deficiency (EBS3). Also called: Epidermolysis bullosa simplex, autosomal recessive 2; Epidermolysis bullosa simplex due to BP230 deficiency. Identifiers: Orphanet 412181, MedGen C3809470, MONDO:0014180, OMIM 615425.
Hereditary sensory and autonomic neuropathy type 6. Also called: Neuropathy, hereditary sensory and autonomic, type VI; HSAN VI. Identifiers: Orphanet 314381, MedGen C3539003, MONDO:0013839, OMIM 614653.

Allele frequency attached by ClinVar (database versions not stated): ExAC 0.00002; gnomAD exomes 0.00003.
gnomAD v4.1: 9 of 1,612,810 alleles (0.00056%); highest among the groups gnomAD compares: East Asian, 0.02%; no homozygotes.

Submission:

Labcorp Genetics (formerly Invitae), Labcorp
Classification: Uncertain significance for Epidermolysis bullosa simplex 3, localized or generalized intermediate, with BP230 deficiency; Hereditary sensory and autonomic neuropathy type 6. Last evaluated: 2021-08-24. Review status: criteria provided, single submitter. Criteria: Invitae Variant Classification Sherloc (09022015). Collection method: clinical testing. Allele origin: germline.
Comment: This sequence change replaces alanine with threonine at codon 858 of the DST protein (p.Ala858Thr). The alanine residue is highly conserved and there is a small physicochemical difference between alanine and threonine. This variant is present in population databases (rs772264796, ExAC 0.02%). This variant has not been reported in the literature in individuals affected with DST-related conditions. Algorithms developed to predict the effect of missense changes on protein structure and function are either unavailable or do not agree on the potential impact of this missense change (SIFT: "Deleterious"; PolyPhen-2: "Benign"; Align-GVGD: "Class C55"). In summary, the available evidence is currently insufficient to determine the role of this variant in disease. Therefore, it has been classified as a Variant of Uncertain Significance.